The following is an entry in ClinVar:

NM_000292.3(PHKA2):c.2522G>A (p.Cys841Tyr)

Gene: PHKA2 (phosphorylase kinase regulatory subunit alpha 2; minus strand). Cytogenetic location: Xp22.13.
Variant type: single nucleotide variant.
Coding change: c.2522G>A on transcript NM_000292.3 (MANE Select); coding-DNA position 2522, G replaced by A.
Protein change: p.Cys841Tyr; replaces cysteine 841 with tyrosine.
Molecular consequence: missense variant.
Genome position (GRCh38, 1-based): chrX:18,907,093, C>T on the plus strand (G>A on the coding strand, the complement: PHKA2 is on the minus strand). VCF-style: chrX-18907093-C-T. GRCh37 (hg19) VCF-style: chrX-18925211-C-T.
Other names: c.2522G>A, p.Cys841Tyr (NM_001440800.1, NM_001440801.1, NM_001440805.1); c.2423G>A, p.Cys808Tyr (NM_001440802.1, NM_001440803.1, NM_001440804.1); short protein forms C808Y, C841Y.
Identifiers: ClinVar variation 4537845 (VCV004537845.1).

ClinVar aggregate classification (germline): Uncertain significance (1 of 4 stars; one submission).

gnomAD v4.1: 6 of 1,175,501 alleles (0.00051%); highest among the groups gnomAD compares: Non-Finnish European, 0.00057%; no homozygotes.

Submission:

GeneDx
Classification: Uncertain significance. Last evaluated: 2025-06-11. Review status: criteria provided, single submitter. Criteria: GeneDx Variant Classification Process June 2021. Collection method: clinical testing. Allele origin: germline. Affected: yes.
Comment: In silico analysis supports that this missense variant has a deleterious effect on protein structure/function; Has not been previously published as pathogenic or benign to our knowledge